The following is an entry in ClinVar:

NM_001122955.4(BSCL2):c.1168GAG[2] (p.Glu392del)

Genes: BSCL2 (BSCL2 lipid droplet biogenesis associated, seipin; minus strand), HNRNPUL2-BSCL2 (HNRNPUL2-BSCL2 readthrough (NMD candidate); minus strand). Cytogenetic location: 11q12.3.
Variant type: Microsatellite.
Coding change: c.1168GAG[2] on transcript NM_001122955.4 (MANE Select); two copies in a row of the 3-base unit GAG starting at c.1168; the reference has three copies in a row; one copy, 3 bases deleted; also written c.1174_1176del.
Protein change: p.Glu392del; deletes glutamic acid 392.
Molecular consequence: inframe deletion. On other transcripts: non-coding transcript variant (1).
Genome position (GRCh38, 1-based): chr11:62,690,670-62,690,672, CTC deleted on the plus strand (GAG on the coding strand, the reverse complement: BSCL2 is on the minus strand); deleting any 3 consecutive bases within chr11:62,690,670-62,690,678 gives the same sequence; the position shown is the placement nearest the transcript's 3' end. VCF-style (leftmost placement, unchanged base first): chr11-62690669-TCTC-T. GRCh37 (hg19) VCF-style: chr11-62458141-TCTC-T.
Other names: c.1174_1176del (NM_001122955.4); c.834GAG[2], p.Arg281del (NM_001130702.2); c.1174GAG[2], p.Glu394del (NM_001386027.1); c.1168GAG[2], p.Glu392del (NM_001386028.1); c.976GAG[2], p.Glu328del (NM_032667.6); short protein forms E394del, E328del, R281del, E392del.
Identifiers: ClinVar variation 1385913 (VCV001385913.8), dbSNP rs769661232, ClinGen allele CA6053300.

ClinVar aggregate classification (germline): Uncertain significance. Review status: criteria provided, multiple submitters, no conflicts (2 of 4 stars). 2 submissions from 2 submitters: Uncertain significance (2). Last evaluated 2025-08-26.

Conditions:
Charcot-Marie-Tooth disease type 2. Also called: Charcot-Marie-Tooth type 2. Identifiers: Orphanet 64746, MedGen C0270914, MONDO:0018993.
Neuronopathy, distal hereditary motor, type 5C. Also called: DHMN VC; NEURONOPATHY, DISTAL HEREDITARY MOTOR, HARDING TYPE VC; NEUROPATHY, DISTAL HEREDITARY MOTOR, HARDING TYPE VC; SPINAL MUSCULAR ATROPHY, DISTAL, HARDING TYPE VC; NEURONOPATHY, DISTAL HEREDITARY MOTOR, AUTOSOMAL DOMINANT 13. Identifiers: MedGen C5436838, MONDO:0030860, OMIM 619112.

Submissions (2):

Labcorp Genetics (formerly Invitae), Labcorp
Classification: Uncertain significance for Charcot-Marie-Tooth disease type 2. Last evaluated: 2025-08-26. Review status: criteria provided, single submitter. Criteria: Invitae Variant Classification Sherloc (09022015). Collection method: clinical testing. Allele origin: germline.
Comment: This variant, c.982_984del, results in the deletion of 1 amino acid(s) of the BSCL2 protein (p.Glu328del), but otherwise preserves the integrity of the reading frame. This variant is present in population databases (rs769661232, gnomAD 0.05%). This variant has not been reported in the literature in individuals affected with BSCL2-related conditions. Experimental studies and prediction algorithms are not available or were not evaluated, and the functional significance of this variant is currently unknown. In summary, the available evidence is currently insufficient to determine the role of this variant in disease. Therefore, it has been classified as a Variant of Uncertain Significance.

Neuberg Centre For Genomic Medicine, NCGM
Classification: Uncertain significance for Neuronopathy, distal hereditary motor, type 5C. Last evaluated: 2023-03-01. Review status: criteria provided, single submitter. Criteria: ACMG Guidelines, 2015. Collection method: clinical testing. Allele origin: germline. Inheritance: Autosomal dominant inheritance. Affected: yes.
Comment: The inframe deletion c.1174_1176del (p.Glu392del) variant in BSCL2 gene has not been reported previously as a pathogenic variant nor as a benign variant, to our knowledge. The p.Glu392del variant is reported with an allele frequency of 0.007% in the gnomAD exomes database and is novel (not in any individuals) in 1000 Genomes database. This variant has been reported to the ClinVar database as Uncertain Significance. This p.Glu392del causes deletion of amino acid Glutamic Acid at position 392. For these reasons, this variant has been classified as a Variant of Uncertain Significance (VUS).